The following is an entry in ClinVar:

ClinVar aggregate classification (germline): Uncertain significance (1 of 4 stars; one submission).

Conditions:
Long QT syndrome (LQTS). Identifiers: MedGen C0023976, MeSH D008133, MONDO:0002442. Disease mechanism: loss of function. Inheritance: Various modes of inheritance.

Allele frequency attached by ClinVar (database versions not stated): gnomAD exomes below 0.00001 and 0.00001; TOPMed below 0.00001; ExAC 0.00001; gnomAD 0.00001.
gnomAD v4.1: 19 of 1,613,996 alleles (0.0012%); highest among the groups gnomAD compares: East Asian, 0.0022%; no homozygotes.

Submission:

Labcorp Genetics (formerly Invitae), Labcorp
Classification: Uncertain significance for Long QT syndrome. Last evaluated: 2022-03-23. Review status: criteria provided, single submitter. Criteria: Invitae Variant Classification Sherloc (09022015). Collection method: clinical testing. Allele origin: germline.
Comment: In summary, the available evidence is currently insufficient to determine the role of this variant in disease. Therefore, it has been classified as a Variant of Uncertain Significance. Algorithms developed to predict the effect of missense changes on protein structure and function are either unavailable or do not agree on the potential impact of this missense change (SIFT: "Deleterious"; PolyPhen-2: "Possibly Damaging"; Align-GVGD: "Class C0"). This variant is present in population databases (rs752016285, gnomAD 0.0009%). This sequence change replaces proline, which is neutral and non-polar, with leucine, which is neutral and non-polar, at codon 391 of the ANK2 protein (p.Pro391Leu). ClinVar contains an entry for this variant (Variation ID: 406465). This variant is also known as XM_005262941.1:c.1268C>T. This missense change has been observed in individual(s) with neurodevelopmental disorders (PMID: 28191889, 33004838).

Literature cited by the submitters: PubMed 28191889; PubMed 33004838.

NM_001148.6(ANK2):c.1172C>T (p.Pro391Leu)

Gene: ANK2 (ankyrin 2; plus strand). Cytogenetic location: 4q26.
Variant type: single nucleotide variant.
Coding change: c.1172C>T on transcript NM_001148.6 (MANE Select); coding-DNA position 1172, C replaced by T.
Protein change: p.Pro391Leu; replaces proline 391 with leucine.
Molecular consequence: missense variant.
Genome position (GRCh38, 1-based): chr4:113,255,916, C>T. VCF-style: chr4-113255916-C-T. GRCh37 (hg19) VCF-style: chr4-114177072-C-T.
Other names: c.1109C>T, p.Pro370Leu (NM_001127493.3, NM_001354239.2, NM_001354243.2 and 14 more transcripts); c.1172C>T, p.Pro391Leu (NM_001354225.2, NM_001354228.2, NM_001354232.2 and 9 more transcripts); c.1217C>T, p.Pro406Leu (NM_001354230.2, NM_001354231.2, NM_001354237.2 and 5 more transcripts); c.1085C>T, p.Pro362Leu (NM_001354249.2, NM_001354260.2, NM_001354264.2 and 16 more transcripts); c.1130C>T, p.Pro377Leu (NM_001354261.2, NM_001386147.1, NM_001386160.1); c.1160C>T, p.Pro387Leu (NM_001354269.3, NM_001386148.2, NM_001386186.2); c.1223C>T, p.Pro408Leu (NM_001386174.1); c.1199C>T, p.Pro400Leu (NM_001386175.1); and 1 more; short protein forms P370L, P391L, P362L, P377L, P406L, P387L, P379L, P400L.
Identifiers: ClinVar variation 406465 (VCV000406465.5), dbSNP rs752016285, ClinGen allele CA3050195.
Genomic context (GRCh38, chr4:113,255,916, plus strand): 5'-TTGCTGCGCACTGTGGCCACTACCGTGTAACCAAACTCCTTTTAGACAAGAGAGCCAATC[C>T]GAACGCCAGAGCCCTGGTAAACTTGGCCCAGTCCACATTAACTGAATACAGATTGAGACA-3'
Protein context (NP_001139.3, residues 381-401): TKLLLDKRAN[Pro391Leu]NARALNGFTP